The following is an entry in ClinVar:

NM_021942.6(TRAPPC11):c.706T>A (p.Leu236Met)

Gene: TRAPPC11 (trafficking protein particle complex subunit 11; plus strand). Cytogenetic location: 4q35.1.
Variant type: single nucleotide variant.
Coding change: c.706T>A on transcript NM_021942.6 (MANE Select); coding-DNA position 706, T replaced by A.
Protein change: p.Leu236Met; replaces leucine 236 with methionine.
Molecular consequence: missense variant.
Genome position (GRCh38, 1-based): chr4:183,675,209, T>A. VCF-style: chr4-183675209-T-A. GRCh37 (hg19) VCF-style: chr4-184596362-T-A.
Other names: c.706T>A, p.Leu236Met (NM_199053.3); short protein forms L236M.
Identifiers: ClinVar variation 1357444 (VCV001357444.8), dbSNP rs867066354, ClinGen allele CA358861498.

ClinVar aggregate classification (germline): Uncertain significance (1 of 4 stars; one submission).

Conditions:
Autosomal recessive limb-girdle muscular dystrophy type R18 (LGMDR18). Also called: Limb-girdle muscular dystrophy, type 2S; Autosomal recessive limb-girdle muscular dystrophy type 2S; MUSCULAR DYSTROPHY, LIMB-GIRDLE, AUTOSOMAL RECESSIVE 18. Identifiers: Orphanet 369840, MedGen C4517996, MONDO:0014144, OMIM 615356.

Submission:

Labcorp Genetics (formerly Invitae), Labcorp
Classification: Uncertain significance for Autosomal recessive limb-girdle muscular dystrophy type R18. Last evaluated: 2021-06-07. Review status: criteria provided, single submitter. Criteria: Invitae Variant Classification Sherloc (09022015). Collection method: clinical testing. Allele origin: germline.
Comment: This sequence change replaces leucine with methionine at codon 236 of the TRAPPC11 protein (p.Leu236Met). The leucine residue is highly conserved and there is a small physicochemical difference between leucine and methionine. This variant is not present in population databases (ExAC no frequency). This variant has not been reported in the literature in individuals with TRAPPC11-related conditions. Algorithms developed to predict the effect of missense changes on protein structure and function are either unavailable or do not agree on the potential impact of this missense change (SIFT: "Tolerated"; PolyPhen-2: "Possibly Damaging"; Align-GVGD: "Class C0"). In summary, the available evidence is currently insufficient to determine the role of this variant in disease. Therefore, it has been classified as a Variant of Uncertain Significance.